The following is an entry in ClinVar:

NM_002299.4(LCT):c.566C>T (p.Ala189Val)

Gene: LCT (lactase; minus strand). Cytogenetic location: 2q21.3.
Variant type: single nucleotide variant.
Coding change: c.566C>T on transcript NM_002299.4 (MANE Select); coding-DNA position 566, C replaced by T.
Protein change: p.Ala189Val; replaces alanine 189 with valine.
Molecular consequence: missense variant.
Genome position (GRCh38, 1-based): chr2:135,836,604, G>A on the plus strand (C>T on the coding strand, the complement: LCT is on the minus strand). VCF-style: chr2-135836604-G-A. GRCh37 (hg19) VCF-style: chr2-136594174-G-A.
Other names: short protein forms A189V.
Identifiers: ClinVar variation 2179579 (VCV002179579.4), dbSNP rs1030706397, ClinGen allele CA56640258.
Genomic context (GRCh38, chr2:135,836,604, plus strand): 5'-CTTTCGTGGTAAATCTCATAGGCTTTTCTGTGGGCATCACTGAGGGTCTGGAGTTGTGAC[G>A]CTCTTGATTCCTGGTGGGGAAGCTCCTTGATCACTTCCTCCAAGTCACTGAAGGTGAACC-3'
Protein context (NP_002290.2, residues 179-199): IKELPHQESR[Ala189Val]SQLQTLSDAH

ClinVar aggregate classification (germline): Uncertain significance (1 of 4 stars; one submission).

Allele frequency attached by ClinVar (database versions not stated): gnomAD 0.00001.
gnomAD v4.1: 1 of 1,613,652 alleles (0.000062%); highest among the groups gnomAD compares: African/African-American, 0.0013%; no homozygotes.

Submission:

Labcorp Genetics (formerly Invitae), Labcorp
Classification: Uncertain significance. Last evaluated: 2022-07-21. Review status: criteria provided, single submitter. Criteria: Invitae Variant Classification Sherloc (09022015). Collection method: clinical testing. Allele origin: germline.
Comment: In summary, the available evidence is currently insufficient to determine the role of this variant in disease. Therefore, it has been classified as a Variant of Uncertain Significance. Algorithms developed to predict the effect of missense changes on protein structure and function are either unavailable or do not agree on the potential impact of this missense change (SIFT: "Not Available"; PolyPhen-2: "Benign"; Align-GVGD: "Not Available"). This variant has not been reported in the literature in individuals affected with LCT-related conditions. This variant is present in population databases (no rsID available, gnomAD 0.01%). This sequence change replaces alanine, which is neutral and non-polar, with valine, which is neutral and non-polar, at codon 189 of the LCT protein (p.Ala189Val).